The following is an entry in ClinVar:

NM_002472.3(MYH8):c.4003G>A (p.Ala1335Thr)

Genes: MYH8 (myosin heavy chain 8; minus strand), MYHAS (myosin heavy chain gene cluster antisense RNA; plus strand). Cytogenetic location: 17p13.1.
Variant type: single nucleotide variant.
Coding change: c.4003G>A on transcript NM_002472.3 (MANE Select); coding-DNA position 4003, G replaced by A.
Protein change: p.Ala1335Thr; replaces alanine 1335 with threonine.
Molecular consequence: missense variant.
Genome position (GRCh38, 1-based): chr17:10,398,619, C>T on the plus strand (G>A on the coding strand, the complement: MYH8 is on the minus strand). VCF-style: chr17-10398619-C-T. GRCh37 (hg19) VCF-style: chr17-10301936-C-T.
Other names: short protein forms A1335T.
Identifiers: ClinVar variation 321633 (VCV000321633.6), dbSNP rs142232788, ClinGen allele CA8387379.

ClinVar aggregate classification (germline): Uncertain significance. Review status: criteria provided, multiple submitters, no conflicts (2 of 4 stars). 2 submissions from 2 submitters: Uncertain significance (2). Last evaluated 2025-03-18.

Conditions:
Hecht syndrome (DA7). Also called: MOUTH, INABILITY TO OPEN COMPLETELY, AND SHORT FINGER-FLEXOR TENDONS; Dutch-Kentucky syndrome. Identifiers: Orphanet 3377, MedGen C0265226, MONDO:0008016, OMIM 158300. Disease mechanism: gain of function.

Allele frequency attached by ClinVar (database versions not stated): gnomAD exomes 0.00008 and 0.00020; ExAC 0.00023; gnomAD 0.00072 and 0.00073; TOPMed 0.00084; ESP Exome Variant Server 0.00100; 1000 Genomes Project 0.00180; 1000 Genomes Project 30x 0.00203.
gnomAD v4.1: 233 of 1,614,032 alleles (0.014%); highest among the groups gnomAD compares: African/African-American, 0.25%; no homozygotes.

Submissions (2):

GeneDx
Classification: Uncertain significance. Last evaluated: 2025-03-18. Review status: criteria provided, single submitter. Criteria: GeneDx Variant Classification Process June 2021. Collection method: clinical testing. Allele origin: germline. Affected: yes.
Comment: In silico analysis supports that this missense variant has a deleterious effect on protein structure/function; Has not been previously published as pathogenic or benign to our knowledge

Illumina Laboratory Services, Illumina
Classification: Uncertain significance for Hecht syndrome. Last evaluated: 2018-01-13. Review status: criteria provided, single submitter. Criteria: ICSL Variant Classification Criteria 13 December 2019. Collection method: clinical testing. Allele origin: germline.